The following is an entry in ClinVar:

NM_198334.3(GANAB):c.2588G>T (p.Arg863Leu)

Gene: GANAB (glucosidase II alpha subunit; minus strand). Cytogenetic location: 11q12.3.
Variant type: single nucleotide variant.
Coding change: c.2588G>T on transcript NM_198334.3 (MANE Select); coding-DNA position 2588, G replaced by T.
Protein change: p.Arg863Leu; replaces arginine 863 with leucine.
Molecular consequence: missense variant.
Genome position (GRCh38, 1-based): chr11:62,626,371, C>A on the plus strand (G>T on the coding strand, the complement: GANAB is on the minus strand). VCF-style: chr11-62626371-C-A. GRCh37 (hg19) VCF-style: chr11-62393843-C-A.
Other names: c.2312G>T, p.Arg771Leu (NM_001278192.2); c.2246G>T, p.Arg749Leu (NM_001278193.2); c.2297G>T, p.Arg766Leu (NM_001278194.2, NM_001329222.2, NM_001329223.2); c.1865G>T, p.Arg622Leu (NM_001329224.2, NM_001329225.2); c.2654G>T, p.Arg885Leu (NM_198335.4); short protein forms R622L, R749L, R766L, R771L, R863L, R885L.
Identifiers: ClinVar variation 1708672 (VCV001708672.2), dbSNP rs146501208, ClinGen allele CA380985932.

ClinVar aggregate classification (germline): Uncertain significance (1 of 4 stars; one submission).

gnomAD v4.1: 3 of 1,613,000 alleles (0.00019%); highest among the groups gnomAD compares: East Asian, 0.0067%; no homozygotes.

Submission:

GeneDx
Classification: Uncertain significance. Last evaluated: 2022-03-31. Review status: criteria provided, single submitter. Criteria: GeneDx Variant Classification Process June 2021. Collection method: clinical testing. Allele origin: germline. Affected: yes.
Comment: Not observed at significant frequency in large population cohorts (gnomAD); In silico analysis supports that this missense variant has a deleterious effect on protein structure/function; Has not been previously published as pathogenic or benign to our knowledge